The following is an entry in ClinVar:

ClinVar aggregate classification (germline): Uncertain significance. Review status: criteria provided, multiple submitters, no conflicts (2 of 4 stars). 5 submissions from 5 submitters: Uncertain significance (5). Last evaluated 2025-06-26.

Conditions:
COL9A1-related disorder. Also called: COL9A1-related disorders; COL9A1-related condition.

Allele frequency attached by ClinVar (database versions not stated): gnomAD exomes 0.00002 and 0.00008; ExAC 0.00004; gnomAD 0.00007 and 0.00008; ESP Exome Variant Server 0.00008; TOPMed 0.00013.
gnomAD v4.1: 134 of 1,607,334 alleles (0.0083%); highest among the groups gnomAD compares: Non-Finnish European, 0.011%; no homozygotes.

Submissions (5):

Women's Health and Genetics/Laboratory Corporation of America, LabCorp
Classification: Uncertain significance. Last evaluated: 2025-06-26. Review status: criteria provided, single submitter. Criteria: LabCorp Variant Classification Summary - May 2015. Collection method: clinical testing. Allele origin: germline.
Comment: Variant summary: COL9A1 c.1384C>G (p.Gln462Glu) results in a conservative amino acid change located in the Collagen triple helix repeat (IPR008160) of the encoded protein sequence. Algorithms developed to predict the effect of missense changes on protein structure and function are either unavailable or do not agree on the potential impact of this missense change. The variant allele was found at a frequency of 2e-05 in 248858 control chromosomes. The available data on variant occurrences in the general population are insufficient to allow any conclusion about variant significance. To our knowledge, no occurrence of c.1384C>G in individuals affected with COL9A1-Related Disorders and no experimental evidence demonstrating its impact on protein function have been reported. ClinVar contains an entry for this variant (Variation ID: 426224). Based on the evidence outlined above, the variant was classified as uncertain significance.

PreventionGenetics, part of Exact Sciences
Classification: Uncertain significance for COL9A1-related condition. Last evaluated: 2025-02-03. Review status: criteria provided, single submitter. Criteria: ACMG Guidelines, 2015. Collection method: clinical testing. Allele origin: germline.
Comment: The COL9A1 c.1384C>G variant is predicted to result in the amino acid substitution p.Gln462Glu. To our knowledge, this variant has not been reported in the literature. This variant is reported in 0.0040% of alleles in individuals of African descent in gnomAD. At this time, the clinical significance of this variant is uncertain due to the absence of conclusive functional and genetic evidence.

Blueprint Genetics
Classification: Uncertain significance. Last evaluated: 2023-08-02. Review status: criteria provided, single submitter. Criteria: ACMG Guidelines, 2015. Collection method: clinical testing. Allele origin: germline.

Labcorp Genetics (formerly Invitae), Labcorp
Classification: Uncertain significance. Last evaluated: 2022-08-15. Review status: criteria provided, single submitter. Criteria: Invitae Variant Classification Sherloc (09022015). Collection method: clinical testing. Allele origin: germline.
Comment: This sequence change replaces glutamine, which is neutral and polar, with glutamic acid, which is acidic and polar, at codon 462 of the COL9A1 protein (p.Gln462Glu). This variant is present in population databases (rs201364357, gnomAD 0.005%). This variant has not been reported in the literature in individuals affected with COL9A1-related conditions. ClinVar contains an entry for this variant (Variation ID: 426224). Advanced modeling of protein sequence and biophysical properties (such as structural, functional, and spatial information, amino acid conservation, physicochemical variation, residue mobility, and thermodynamic stability) performed at Invitae indicates that this missense variant is not expected to disrupt COL9A1 protein function. In summary, the available evidence is currently insufficient to determine the role of this variant in disease. Therefore, it has been classified as a Variant of Uncertain Significance.

GeneDx
Classification: Uncertain significance. Last evaluated: 2017-04-25. Review status: criteria provided, single submitter. Criteria: GeneDx Variant Classification (06012015). Collection method: clinical testing. Allele origin: germline. Affected: yes.
Comment: A variant of uncertain significance has been identified in the COL9A1 gene. The Q462E variant has not been published as pathogenic or been reported as benign to our knowledge. This variant is not observed at a significant frequency in large population cohorts (Lek et al., 2016; 1000 Genomes Consortium et al., 2015; Exome Variant Server). The Q462E variant is a semi-conservative amino acid substitution, which may impact secondary protein structure as these residues differ in some properties. Additionally, this substitution occurs at a position that is conserved across species. Furthermore, in silico analysis predicts this variant is probably damaging to the protein structure/function. Nevertheless, no missense variants in nearby residues have been reported in the Human Gene Mutation Database in association with COL9A1-related disorders (Stenson et al., 2014).

NM_001851.6(COL9A1):c.1384C>G (p.Gln462Glu)

Gene: COL9A1 (collagen type IX alpha 1 chain; minus strand). Cytogenetic location: 6q13.
Variant type: single nucleotide variant.
Coding change: c.1384C>G on transcript NM_001851.6 (MANE Select); coding-DNA position 1384, C replaced by G.
Protein change: p.Gln462Glu; replaces glutamine 462 with glutamic acid.
Molecular consequence: missense variant. On other transcripts: non-coding transcript variant (1).
Genome position (GRCh38, 1-based): chr6:70,263,255, G>C on the plus strand (C>G on the coding strand, the complement: COL9A1 is on the minus strand). VCF-style: chr6-70263255-G-C. GRCh37 (hg19) VCF-style: chr6-70972958-G-C.
Other names: c.655C>G, p.Gln219Glu (NM_001377289.1, NM_001377290.1, NM_078485.4); short protein forms Q462E, Q219E.
Identifiers: ClinVar variation 426224 (VCV000426224.9), dbSNP rs201364357, ClinGen allele CA3882250.
Genomic context (GRCh38, chr6:70,263,255, plus strand): 5'-AAAGAATATTTACATATCCTAGTTAAATATTTTTTAAAAAATACTTTACTGGAGGTCCTT[G>C]AGCTCCAACTTCTCCGAGTTCTCCCTGGTCACCTTCTTCACCCTAAAGAAAAAAAAGAAA-3'
Protein context (NP_001842.3, residues 452-472): DQGELGEVGA[Gln462Glu]GPPGAQGLRG